The following is an entry in ClinVar:

ClinVar aggregate classification (germline): Uncertain significance (1 of 4 stars; one submission).

Conditions:
CACNA1D-related disorder.

gnomAD v4.1: 1 of 1,613,734 alleles (0.000062%); highest among the groups gnomAD compares: Admixed American, 0.0017%; no homozygotes.

Submission:

PreventionGenetics, part of Exact Sciences
Classification: Uncertain significance for CACNA1D-related condition. Last evaluated: 2026-07-17. Review status: criteria provided, single submitter. Criteria: ACMG Guidelines, 2015. Collection method: clinical testing. Allele origin: germline.
Comment: The CACNA1D c.34C>T variant is predicted to result in the amino acid substitution p.His12Tyr. To our knowledge, this variant has not been reported in the literature. This variant is reported in 0.0029% of alleles in individuals of Latino descent in gnomAD. At this time, the clinical significance of this variant is uncertain due to the absence of conclusive functional and genetic evidence.

NM_001128840.3(CACNA1D):c.34C>T (p.His12Tyr)

Gene: CACNA1D (calcium voltage-gated channel subunit alpha1 D; plus strand). Cytogenetic location: 3p21.1.
Variant type: single nucleotide variant.
Coding change: c.34C>T on transcript NM_001128840.3 (MANE Select); coding-DNA position 34, C replaced by T.
Protein change: p.His12Tyr; replaces histidine 12 with tyrosine.
Molecular consequence: missense variant.
Genome position (GRCh38, 1-based): chr3:53,495,200, C>T. VCF-style: chr3-53495200-C-T. GRCh37 (hg19) VCF-style: chr3-53529227-C-T.
Other names: c.34C>T, p.His12Tyr (NM_000720.4, NM_001128839.3); short protein forms H12Y.
Identifiers: ClinVar variation 4995019 (VCV004995019.1).
Genomic context (GRCh38, chr3:53,495,200, plus strand): 5'-CAGTAGTCGCTCAATAAATGTTCGTGGATGATGATGATGATGATGATGAAAAAAATGCAG[C>T]ATCAACGGCAGCAGCAAGCGGACCACGCGAACGGTGAGCAGCCAGAGCCCGGGCACCCGC-3'
Protein context (NP_001122312.1, residues 2-22): MMMMMMKKMQ[His12Tyr]QRQQQADHAN